The following is an entry in ClinVar:

ClinVar aggregate classification (germline): Uncertain significance (1 of 4 stars; one submission).

Submission:

CeGaT Center for Human Genetics Tuebingen
Classification: Uncertain significance. Last evaluated: 2024-08-01. Review status: criteria provided, single submitter. Criteria: CeGaT Center For Human Genetics Tuebingen Variant Classification Criteria Version 2. Collection method: clinical testing. Allele origin: germline. Affected: yes. Observed: 1 variant allele.
Comment: GNAI1: PM2

NM_002069.6(GNAI1):c.774del (p.Trp258fs)

Gene: GNAI1 (G protein subunit alpha i1; plus strand). Cytogenetic location: 7q21.11.
Variant type: Deletion.
Coding change: c.774del on transcript NM_002069.6 (MANE Select); coding-DNA position 774, one base deleted (G; older notation c.774delG).
Protein change: p.Trp258fs; shifts the reading frame from tryptophan 258.
Molecular consequence: frameshift variant.
Genome position (GRCh38, 1-based): chr7:80,212,769, G deleted; the last of 2 consecutive G bases (chr7:80,212,768-80,212,769); deleting either gives the same sequence. VCF-style (leftmost placement, unchanged base first): chr7-80212767-TG-T. GRCh37 (hg19) VCF-style: chr7-79842083-TG-T.
Other names: c.618del, p.Trp206fs (NM_001256414.2); short protein forms W206fs, W258fs.
Identifiers: ClinVar variation 3342011 (VCV003342011.16).